The following is an entry in ClinVar:

ClinVar aggregate classification (germline): Uncertain significance (1 of 4 stars; one submission).

Conditions:
Inborn genetic diseases. Identifiers: MedGen C0950123, MeSH D030342.

Submission:

Ambry Genetics
Classification: Uncertain significance for Inborn genetic diseases. Last evaluated: 2025-12-18. Review status: criteria provided, single submitter. Criteria: Ambry Variant Classification Scheme 2023. Collection method: clinical testing. Allele origin: germline.
Comment: The c.473A>G (p.E158G) alteration is located in exon 3 (coding exon 3) of the SOX5 gene. This alteration results from a A to G substitution at nucleotide position 473, causing the glutamic acid (E) at amino acid position 158 to be replaced by a glycine (G). This variant was not reported in population-based cohorts in the Genome Aggregation Database (gnomAD). Another variant at the same codon, c.472G>A (p.E158K), has been identified in an individual with features consistent with Lamb-Shaffer syndrome (Wang, 2023). This amino acid position is highly conserved in available vertebrate species. This alteration is predicted to be deleterious by in silico analysis. Based on insufficient or conflicting evidence, the clinical significance of this alteration remains unclear.

Literature cited by the submitters: PubMed 37393044.

NM_006940.6(SOX5):c.473A>G (p.Glu158Gly)

Gene: SOX5 (SRY-box transcription factor 5; minus strand). Cytogenetic location: 12p12.1.
Variant type: single nucleotide variant.
Coding change: c.473A>G on transcript NM_006940.6 (MANE Select); coding-DNA position 473, A replaced by G.
Protein change: p.Glu158Gly; replaces glutamic acid 158 with glycine.
Molecular consequence: missense variant.
Genome position (GRCh38, 1-based): chr12:23,845,991, T>C on the plus strand (A>G on the coding strand, the complement: SOX5 is on the minus strand). VCF-style: chr12-23845991-T-C. GRCh37 (hg19) VCF-style: chr12-23998925-T-C.
Other names: c.434A>G, p.Glu145Gly (NM_001261414.3, NM_152989.5); c.443A>G, p.Glu148Gly (NM_001261415.3); c.368A>G, p.Glu123Gly (NM_001330785.2); short protein forms E145G, E123G, E158G, E148G.
Identifiers: ClinVar variation 4631876 (VCV004631876.2).